The following is an entry in ClinVar:

ClinVar aggregate classification (germline): Benign (1 of 4 stars; one submission).

Allele frequency attached by ClinVar (database versions not stated): 1000 Genomes Project 0.00280; 1000 Genomes Project 30x 0.00328; ExAC 0.00652; TOPMed 0.00685; gnomAD 0.00708; ESP Exome Variant Server 0.00885.
gnomAD v4.1: 16,678 of 1,589,332 alleles (1%); highest among the groups gnomAD compares: Non-Finnish European, 1.3%; 125 homozygotes.

Submission:

CeGaT Center for Human Genetics Tuebingen
Classification: Benign. Last evaluated: 2025-04-01. Review status: criteria provided, single submitter. Criteria: CeGaT Center For Human Genetics Tuebingen Variant Classification Criteria Version 2. Collection method: clinical testing. Allele origin: germline. Affected: yes. Observed: 7 variant alleles.
Comment: CFAP251: BP4, BS1, BS2

NM_144668.6(CFAP251):c.2123T>C (p.Met708Thr)

Gene: CFAP251 (cilia and flagella associated protein 251; plus strand). Cytogenetic location: 12q24.31.
Variant type: single nucleotide variant.
Coding change: c.2123T>C on transcript NM_144668.6 (MANE Select); coding-DNA position 2123, T replaced by C.
Protein change: p.Met708Thr; replaces methionine 708 with threonine.
Molecular consequence: missense variant.
Genome position (GRCh38, 1-based): chr12:121,959,084, T>C. VCF-style: chr12-121959084-T-C. GRCh37 (hg19) VCF-style: chr12-122396990-T-C.
Other names: c.2123T>C, p.Met708Thr (NM_001178003.2); short protein forms M708T.
Identifiers: ClinVar variation 1711360 (VCV001711360.30), dbSNP rs75883955, ClinGen allele CA6840783.